The following is an entry in ClinVar:

ClinVar aggregate classification (germline): Uncertain significance (1 of 4 stars; one submission).

Conditions:
Inborn genetic diseases. Identifiers: MedGen C0950123, MeSH D030342.

Allele frequency attached by ClinVar (database versions not stated): ExAC 0.00015; gnomAD 0.00020; TOPMed 0.00028; ESP Exome Variant Server 0.00031.
gnomAD v4.1: 454 of 1,613,990 alleles (0.028%); highest among the groups gnomAD compares: Non-Finnish European, 0.035%; no homozygotes.

Submission:

Ambry Genetics
Classification: Uncertain significance for Inborn genetic diseases. Last evaluated: 2021-03-26. Review status: criteria provided, single submitter. Criteria: Ambry Variant Classification Scheme 2023. Collection method: clinical testing. Allele origin: germline.
Comment: The c.1030C>T (p.R344W) alteration is located in exon 4 (coding exon 4) of the TTI2 gene. This alteration results from a C to T substitution at nucleotide position 1030, causing the arginine (R) at amino acid position 344 to be replaced by a tryptophan (W). The p.R344W alteration is predicted to be tolerated by in silico analysis. Based on insufficient or conflicting evidence, the clinical significance of this alteration remains unclear.

NM_001102401.4(TTI2):c.1030C>T (p.Arg344Trp)

Gene: TTI2 (TELO2 interacting protein 2; minus strand). Cytogenetic location: 8p12.
Variant type: single nucleotide variant.
Coding change: c.1030C>T on transcript NM_001102401.4 (MANE Select); coding-DNA position 1030, C replaced by T.
Protein change: p.Arg344Trp; replaces arginine 344 with tryptophan.
Molecular consequence: missense variant.
Genome position (GRCh38, 1-based): chr8:33,503,833, G>A on the plus strand (C>T on the coding strand, the complement: TTI2 is on the minus strand). VCF-style: chr8-33503833-G-A. GRCh37 (hg19) VCF-style: chr8-33361351-G-A.
Other names: c.1030C>T, p.Arg344Trp (NM_001265581.2, NM_025115.5); c.937C>T, p.Arg313Trp (NM_001330505.3); short protein forms R344W, R313W.
Identifiers: ClinVar variation 3184486 (VCV003184486.1), dbSNP rs137898652, ClinGen allele CA4707186.